The following is an entry in ClinVar:

ClinVar aggregate classification (germline): Uncertain significance (1 of 4 stars; one submission).

Conditions:
Hereditary cancer-predisposing syndrome. Also called: Tumor predisposition; Neoplastic Syndromes, Hereditary; Hereditary Cancer Syndrome; Hereditary neoplastic syndrome. Identifiers: Orphanet 140162, MedGen C0027672, MeSH D009386, MONDO:0015356.

Submission:

Ambry Genetics
Classification: Uncertain significance for Hereditary cancer-predisposing syndrome. Last evaluated: 2021-11-23. Review status: criteria provided, single submitter. Criteria: Ambry Variant Classification Scheme 2023. Collection method: clinical testing. Allele origin: germline.
Comment: The p.S1042T variant (also known as c.3124T>A), located in coding exon 25 of the POLD1 gene, results from a T to A substitution at nucleotide position 3124. The serine at codon 1042 is replaced by threonine, an amino acid with similar properties. This amino acid position is conserved. In addition, this alteration is predicted to be tolerated by in silico analysis. Since supporting evidence is limited at this time, the clinical significance of this alteration remains unclear.

NM_002691.4(POLD1):c.3124T>A (p.Ser1042Thr)

Gene: POLD1 (DNA polymerase delta 1, catalytic subunit; plus strand). Cytogenetic location: 19q13.33.
Variant type: single nucleotide variant.
Coding change: c.3124T>A on transcript NM_002691.4 (MANE Select); coding-DNA position 3124, T replaced by A.
Protein change: p.Ser1042Thr; replaces serine 1042 with threonine.
Molecular consequence: missense variant. On other transcripts: non-coding transcript variant (1).
Genome position (GRCh38, 1-based): chr19:50,417,175, T>A. VCF-style: chr19-50417175-T-A. GRCh37 (hg19) VCF-style: chr19-50920432-T-A.
Other names: c.3124T>A, p.Ser1042Thr (NM_001256849.1); c.3202T>A, p.Ser1068Thr (NM_001308632.1); short protein forms S1042T, S1068T.
Identifiers: ClinVar variation 1727884 (VCV001727884.2), dbSNP rs2514076879, ClinGen allele CA406987249.